The following is an entry in ClinVar:

ClinVar aggregate classification (germline): Uncertain significance. Review status: criteria provided, multiple submitters, no conflicts (2 of 4 stars). 3 submissions from 3 submitters: Uncertain significance (3). Last evaluated 2025-08-28.

Conditions:
Familial dysautonomia. Also called: HSAN III; FD. Identifiers: Orphanet 1764, MedGen C0013364, MONDO:0009131, OMIM 223900. Disease mechanism: loss of function.
Medulloblastoma (MDB). Also called: MEDULLOBLASTOMA PREDISPOSITION SYNDROME; Medulloblastoma, somatic. Identifiers: Orphanet 616, MedGen C0025149, MeSH D008527, MONDO:0007959, OMIM 155255, HP:0002885.

Allele frequency attached by ClinVar (database versions not stated): gnomAD 0.00001; gnomAD exomes 0.00003 and 0.00004; TOPMed 0.00003; ExAC 0.00004.

Submissions (3):

Ambry Genetics
Classification: Uncertain significance. Last evaluated: 2025-08-28. Review status: criteria provided, single submitter. Criteria: Ambry Variant Classification Scheme 2023. Collection method: clinical testing. Allele origin: germline.

Fulgent Genetics
Classification: Uncertain significance for Medulloblastoma; Familial dysautonomia. Last evaluated: 2022-03-18. Review status: criteria provided, single submitter. Criteria: ACMG Guidelines, 2015. Collection method: clinical testing. Allele origin: unknown.

Labcorp Genetics (formerly Invitae), Labcorp
Classification: Uncertain significance. Last evaluated: 2021-12-07. Review status: criteria provided, single submitter. Criteria: Invitae Variant Classification Sherloc (09022015). Collection method: clinical testing. Allele origin: germline.
Comment: This sequence change replaces cysteine, which is neutral and slightly polar, with arginine, which is basic and polar, at codon 664 of the ELP1 protein (p.Cys664Arg). This variant is present in population databases (rs762636526, gnomAD 0.01%). This variant has not been reported in the literature in individuals affected with ELP1-related conditions. Algorithms developed to predict the effect of missense changes on protein structure and function (SIFT, PolyPhen-2, Align-GVGD) all suggest that this variant is likely to be tolerated. In summary, the available evidence is currently insufficient to determine the role of this variant in disease. Therefore, it has been classified as a Variant of Uncertain Significance.

NM_003640.5(ELP1):c.1990T>C (p.Cys664Arg)

Gene: ELP1 (elongator acetyltransferase complex subunit 1; minus strand). Cytogenetic location: 9q31.3.
Variant type: single nucleotide variant.
Coding change: c.1990T>C on transcript NM_003640.5 (MANE Select); coding-DNA position 1990, T replaced by C.
Protein change: p.Cys664Arg; replaces cysteine 664 with arginine.
Molecular consequence: missense variant.
Genome position (GRCh38, 1-based): chr9:108,901,449, A>G on the plus strand (T>C on the coding strand, the complement: ELP1 is on the minus strand). VCF-style: chr9-108901449-A-G. GRCh37 (hg19) VCF-style: chr9-111663729-A-G.
Other names: c.1990T>C (NM_003640.3); c.1648T>C, p.Cys550Arg (NM_001318360.2); c.943T>C, p.Cys315Arg (NM_001330749.2); short protein forms C550R, C315R, C664R.
Identifiers: ClinVar variation 1425203 (VCV001425203.6), dbSNP rs762636526, ClinGen allele CA5174823.
Genomic context (GRCh38, chr9:108,901,449, plus strand): 5'-AAGGGACCATTTCTGTTTTATACATTGAAAACTTACTTTTAAATGAAGCATCCCTCAGGC[A>G]AAAACACTGGCAGGTATGGGAATGGGTTGTCAACAATAAAAACTCATCATATACTGCAAA-3'
Protein context (NP_003631.2, residues 654-674): TTHSHTCQCF[Cys664Arg]LRDASFKTLQ